The following is an entry in ClinVar:

NM_001256789.3(CACNA1F):c.5602C>T (p.His1868Tyr)

Gene: CACNA1F (calcium voltage-gated channel subunit alpha1 F; minus strand). Cytogenetic location: Xp11.23.
Variant type: single nucleotide variant.
Coding change: c.5602C>T on transcript NM_001256789.3 (MANE Select); coding-DNA position 5602, C replaced by T.
Protein change: p.His1868Tyr; replaces histidine 1868 with tyrosine.
Molecular consequence: missense variant.
Genome position (GRCh38, 1-based): chrX:49,205,684, G>A on the plus strand (C>T on the coding strand, the complement: CACNA1F is on the minus strand). VCF-style: chrX-49205684-G-A. GRCh37 (hg19) VCF-style: chrX-49062144-G-A.
Other names: c.5440C>T, p.His1814Tyr (NM_001256790.3); c.5635C>T, p.His1879Tyr (NM_005183.4); short protein forms H1814Y, H1868Y, H1879Y.
Identifiers: ClinVar variation 1507155 (VCV001507155.6), dbSNP rs2147888917, ClinGen allele CA412957031.
Genomic context (GRCh38, chrX:49,205,684, plus strand): 5'-CCAAGCTGTCGGCACTGCCCCTCTTCCCATGGCTGGGGTCCGAGTGGGTTCCAGGCACGT[G>A]CAGACAGGTGAAGGTGCGCAGTGGGCCACTGGATCTGCCGAGGTACCCCTCCCCCGCTGC-3'
Protein context (NP_001243718.1, residues 1858-1878): SGPLRTFTCL[His1868Tyr]VPGTHSDPSH

ClinVar aggregate classification (germline): Uncertain significance (1 of 4 stars; one submission).

Submission:

Labcorp Genetics (formerly Invitae), Labcorp
Classification: Uncertain significance. Last evaluated: 2021-12-06. Review status: criteria provided, single submitter. Criteria: Invitae Variant Classification Sherloc (09022015). Collection method: clinical testing. Allele origin: germline.
Comment: This sequence change replaces histidine, which is basic and polar, with tyrosine, which is neutral and polar, at codon 1879 of the CACNA1F protein (p.His1879Tyr). This variant is not present in population databases (gnomAD no frequency). This variant has not been reported in the literature in individuals affected with CACNA1F-related conditions. Algorithms developed to predict the effect of missense changes on protein structure and function are either unavailable or do not agree on the potential impact of this missense change (SIFT: "Deleterious"; PolyPhen-2: "Benign"; Align-GVGD: "Class C0"). Algorithms developed to predict the effect of sequence changes on RNA splicing suggest that this variant may create or strengthen a splice site. In summary, the available evidence is currently insufficient to determine the role of this variant in disease. Therefore, it has been classified as a Variant of Uncertain Significance.